The following is an entry in ClinVar:

NM_001253697.2(ERBIN):c.662T>A (p.Phe221Tyr)

Gene: ERBIN (erbb2 interacting protein; plus strand). Cytogenetic location: 5q12.3.
Variant type: single nucleotide variant.
Coding change: c.662T>A on transcript NM_001253697.2 (MANE Select); coding-DNA position 662, T replaced by A.
Protein change: p.Phe221Tyr; replaces phenylalanine 221 with tyrosine.
Molecular consequence: missense variant.
Genome position (GRCh38, 1-based): chr5:66,023,354, T>A. VCF-style: chr5-66023354-T-A. GRCh37 (hg19) VCF-style: chr5-65319182-T-A.
Other names: c.662T>A, p.Phe221Tyr (NM_001006600.3, NM_001253698.2, NM_001253699.2 and 2 more transcripts); short protein forms F221Y.
Identifiers: ClinVar variation 1514520 (VCV001514520.8), dbSNP rs2151145344, ClinGen allele CA359974620.

ClinVar aggregate classification (germline): Uncertain significance (1 of 4 stars; one submission).

gnomAD v4.1: 1 of 1,610,522 alleles (0.000062%); no homozygotes.

Submission:

Labcorp Genetics (formerly Invitae), Labcorp
Classification: Uncertain significance. Last evaluated: 2024-04-30. Review status: criteria provided, single submitter. Criteria: Invitae Variant Classification Sherloc (09022015). Collection method: clinical testing. Allele origin: germline.
Comment: This sequence change replaces phenylalanine, which is neutral and non-polar, with tyrosine, which is neutral and polar, at codon 221 of the ERBIN protein (p.Phe221Tyr). This variant is not present in population databases (gnomAD no frequency). This variant has not been reported in the literature in individuals affected with ERBIN-related conditions. ClinVar contains an entry for this variant (Variation ID: 1514520). An algorithm developed to predict the effect of missense changes on protein structure and function (PolyPhen-2) suggests that this variant is likely to be tolerated. In summary, the available evidence is currently insufficient to determine the role of this variant in disease. Therefore, it has been classified as a Variant of Uncertain Significance.